The following is an entry in ClinVar:

NM_030632.3(ASXL3):c.5234C>T (p.Ala1745Val)

Gene: ASXL3 (ASXL transcriptional regulator 3; plus strand). Cytogenetic location: 18q12.1.
Variant type: single nucleotide variant.
Coding change: c.5234C>T on transcript NM_030632.3 (MANE Select); coding-DNA position 5234, C replaced by T.
Protein change: p.Ala1745Val; replaces alanine 1745 with valine.
Molecular consequence: missense variant.
Genome position (GRCh38, 1-based): chr18:33,745,082, C>T. VCF-style: chr18-33745082-C-T. GRCh37 (hg19) VCF-style: chr18-31325046-C-T.
Other names: short protein forms A1745V.
Identifiers: ClinVar variation 3343279 (VCV003343279.1).

ClinVar aggregate classification (germline): Uncertain significance (1 of 4 stars; one submission).

gnomAD v4.1: 4 of 1,613,998 alleles (0.00025%); highest among the groups gnomAD compares: African/African-American, 0.0013%; no homozygotes.

Submission:

GeneDx
Classification: Uncertain significance. Last evaluated: 2023-05-04. Review status: criteria provided, single submitter. Criteria: GeneDx Variant Classification Process June 2021. Collection method: clinical testing. Allele origin: germline. Affected: yes.
Comment: Not observed at significant frequency in large population cohorts (gnomAD); In silico analysis supports that this missense variant does not alter protein structure/function; Has not been previously published as pathogenic or benign to our knowledge